The following is an entry in ClinVar:

NM_147127.5(EVC2):c.2856_2857del (p.Arg952fs)

Gene: EVC2 (EvC ciliary complex subunit 2; minus strand). Cytogenetic location: 4p16.2.
Variant type: Microsatellite.
Coding change: c.2856_2857del on transcript NM_147127.5 (MANE Select); coding-DNA positions 2856 to 2857, 2 bases deleted (AG; older notation c.2856_2857delAG).
Protein change: p.Arg952fs; shifts the reading frame from arginine 952.
Molecular consequence: frameshift variant.
Genome position (GRCh38, 1-based): chr4:5,584,823-5,584,824, CT deleted on the plus strand (AG on the coding strand, the reverse complement: EVC2 is on the minus strand); deleting any 2 consecutive bases within chr4:5,584,823-5,584,829 gives the same sequence; the c. name uses the placement nearest the transcript's 3' end. VCF-style (leftmost placement, unchanged base first): chr4-5584822-ACT-A. GRCh37 (hg19) VCF-style: chr4-5586549-ACT-A.
Other names: c.2616_2617del, p.Arg872fs (NM_001166136.2); short protein forms R872fs, R952fs.
Identifiers: ClinVar variation 1726287 (VCV001726287.7), dbSNP rs2475236642, ClinGen allele CA2580616062.

ClinVar aggregate classification (germline): Pathogenic/Likely pathogenic. Review status: criteria provided, multiple submitters, no conflicts (2 of 4 stars). 2 submissions from 2 submitters: Pathogenic (1); Likely pathogenic (1). Last evaluated 2021-12-18.

Conditions:
Ellis-van Creveld syndrome (EVC). Also called: EVC-Related Ellis-van Creveld Syndrome; EVC2-Related Ellis-van Creveld Syndrome; MESOECTODERMAL DYSPLASIA; Chondroectodermal dysplasia. Identifiers: Orphanet 289, MedGen C0013903, MONDO:0009162, OMIM 225500.
Curry-Hall syndrome (WAD). Also called: WEYERS ACRODENTAL DYSOSTOSIS. Identifiers: Orphanet 952, MedGen C0457013, MONDO:0008673, OMIM 193530.

Submissions (2):

Labcorp Genetics (formerly Invitae), Labcorp
Classification: Pathogenic for Curry-Hall syndrome; Ellis-van Creveld syndrome. Last evaluated: 2021-12-18. Review status: criteria provided, single submitter. Criteria: Invitae Variant Classification Sherloc (09022015). Collection method: clinical testing. Allele origin: germline.
Comment: This sequence change creates a premature translational stop signal (p.Arg952Serfs*51) in the EVC2 gene. It is expected to result in an absent or disrupted protein product. Loss-of-function variants in EVC2 are known to be pathogenic (PMID: 17024374, 19810119, 19876929). This variant is not present in population databases (gnomAD no frequency). This variant has not been reported in the literature in individuals affected with EVC2-related conditions. For these reasons, this variant has been classified as Pathogenic.

Myriad Genetics, Inc.
Classification: Likely pathogenic for Ellis-van Creveld syndrome. Last evaluated: 2021-12-10. Review status: criteria provided, single submitter. Criteria: Myriad Women's Health Autosomal Recessive and X-Linked Classification Criteria (2021). Collection method: clinical testing. Allele origin: unknown.
Comment: NM_147127.4(EVC2):c.2856_2857delAG(R952Sfs*51) is expected to be pathogenic in the context of EVC2-related Ellis-van Creveld syndrome. This variant is predicted to lead to an abnormal or absent protein product due to the creation of a premature termination codon in EVC2, a gene where loss-of-function variants are known to be pathogenic. Please note: this variant was assessed in the context of healthy population screening.

Literature cited by the submitters: PubMed 17024374 (cited by Labcorp Genetics (formerly Invitae), Labcorp); PubMed 19810119 (cited by Labcorp Genetics (formerly Invitae), Labcorp); PubMed 19876929 (cited by Labcorp Genetics (formerly Invitae), Labcorp).